The following is an entry in ClinVar:

NM_001318852.2(MAPK8IP3):c.1736G>A (p.Arg579His)

Gene: MAPK8IP3 (mitogen-activated protein kinase 8 interacting protein 3; plus strand). Cytogenetic location: 16p13.3.
Variant type: single nucleotide variant.
Coding change: c.1736G>A on transcript NM_001318852.2 (MANE Select); coding-DNA position 1736, G replaced by A.
Protein change: p.Arg579His; replaces arginine 579 with histidine.
Molecular consequence: missense variant.
Genome position (GRCh38, 1-based): chr16:1,762,844, G>A. VCF-style: chr16-1762844-G-A. GRCh37 (hg19) VCF-style: chr16-1812845-G-A.
Other names: c.1715G>A, p.Arg572His (NM_001040439.2); c.1733G>A, p.Arg578His (NM_015133.5); short protein forms R572H, R578H, R579H.
Identifiers: ClinVar variation 4819934 (VCV004819934.2).

ClinVar aggregate classification (germline): Conflicting classifications of pathogenicity. Review status: criteria provided, conflicting classifications (1 of 4 stars). 2 submissions from 2 submitters: Uncertain significance (1); Likely benign (1). Last evaluated 2026-03-08.

Conditions:
Neurodevelopmental disorder with or without variable brain abnormalities; NEDBA. Also called: NEURODEVELOPMENTAL DISORDER WITH OR WITHOUT VARIABLE BRAIN ABNORMALITIES. Identifiers: MedGen C5193102, MONDO:0032755, OMIM 618443.

gnomAD v4.1: 7 of 1,611,786 alleles (0.00043%); highest among the groups gnomAD compares: Non-Finnish European, 0.00051%; no homozygotes.

Submissions (2):

Centre for Medical Genetics,  Mumbai
Classification: Likely benign for Neurodevelopmental disorder with or without variable brain abnormalities; NEDBA. Last evaluated: 2026-03-08. Review status: criteria provided, single submitter. Criteria: ACMG Guidelines, 2015. Collection method: provider interpretation. Allele origin: germline. Inheritance: Autosomal dominant inheritance. Affected: no. Observed: 1 variant allele, 1 heterozygote.
Comment: The variant satisfies PM2 criteria; Extremely low frequency in gnomAD population databases. The variant satisfies PM5 criteria; Different amino acid change as a known pathogenic variant. However, the variant satisfies BS2 criteria.

Blueprint Genetics
Classification: Uncertain significance. Last evaluated: 2022-04-04. Review status: criteria provided, single submitter. Criteria: ACMG Guidelines, 2015. Collection method: clinical testing. Allele origin: germline.

Literature cited by the submitters: PubMed 30612693 (cited by Centre for Medical Genetics,  Mumbai).